The following is an entry in ClinVar:

ClinVar aggregate classification (germline): Likely pathogenic (1 of 4 stars; one submission).

Conditions:
alpha Thalassemia. Also called: Alpha thalassemia spectrum. Identifiers: Orphanet 846, MedGen C0002312, MONDO:0011399, OMIM 604131.

Submission:

Natera, Inc.
Classification: Likely pathogenic for Alpha thalassemia. Last evaluated: 2025-10-30. Review status: criteria provided, single submitter. Criteria: Natera Variant Classification Schema (03/2026). Collection method: clinical testing. Allele origin: germline.
Comment: The c.95+41_117del variant in HBA1 is a deletion affecting a canonical splice donor site. This variant is expected to result in nonsense mediated decay, truncation, or a dysfunctional protein product. This variant is rare in the general population with a frequency below the threshold expected for the associated phenotype(s). Given the available evidence, this variant is classified as Likely Pathogenic.

NM_000558.5(HBA1):c.95+41_117del

Genes: HBA1 (hemoglobin subunit alpha 1; plus strand), LOC106804613 (hemoglobin subunit alpha 1 recombination region; plus strand). Cytogenetic location: 16p13.3.
Variant type: Deletion.
Coding change: c.95+41_117del on transcript NM_000558.5 (MANE Select); 41 bases into the intron after coding-DNA position 95 through coding-DNA position 117, 99 bases deleted.
Molecular consequence: splice acceptor variant.
Genome position (GRCh38, 1-based): chr16:176,852-176,950, 99 bases deleted. GRCh37 (hg19): chr16:226,851-226,949.
Identifiers: ClinVar variation 4814423 (VCV004814423.1).